The following is an entry in ClinVar:

ClinVar aggregate classification (germline): Conflicting classifications of pathogenicity. Review status: criteria provided, conflicting classifications (1 of 4 stars). 4 submissions from 4 submitters: Uncertain significance (1); Benign (3). Last evaluated 2026-01-11.

Conditions:
Mitochondrial complex I deficiency, nuclear type 1. Also called: NADH-COENZYME Q REDUCTASE DEFICIENCY; MITOCHONDRIAL NADH DEHYDROGENASE COMPONENT OF COMPLEX I, DEFICIENCY OF. Identifiers: MedGen C6022305, MONDO:0100224, OMIM 252010.

Allele frequency attached by ClinVar (database versions not stated): gnomAD exomes 0.00062 and 0.00174; ExAC 0.00355; gnomAD 0.00765 and 0.00828; ESP Exome Variant Server 0.00813; TOPMed 0.00819; 1000 Genomes Project 0.00879; 1000 Genomes Project 30x 0.00890.
gnomAD v4.1: 2,078 of 1,551,496 alleles (0.13%); highest among the groups gnomAD compares: African/African-American, 2.4%; 26 homozygotes.

Submissions (4):

Labcorp Genetics (formerly Invitae), Labcorp
Classification: Benign. Last evaluated: 2026-01-11. Review status: criteria provided, single submitter. Criteria: Invitae Variant Classification Sherloc (09022015). Collection method: clinical testing. Allele origin: germline.

Illumina Laboratory Services, Illumina
Classification: Uncertain significance for Mitochondrial complex I deficiency, nuclear type 1. Last evaluated: 2018-01-12. Review status: criteria provided, single submitter. Criteria: ICSL Variant Classification Criteria 13 December 2019. Collection method: clinical testing. Allele origin: germline.

ARUP Laboratories, Molecular Genetics and Genomics, ARUP Laboratories
Classification: Benign. Last evaluated: 2017-09-05. Review status: criteria provided, single submitter. Criteria: ARUP Molecular Germline Variant Investigation Process. Collection method: clinical testing. Allele origin: germline.

GeneDx
Classification: Benign. Last evaluated: 2014-04-22. Review status: criteria provided, single submitter. Criteria: GeneDx Variant Classification (06012015). Collection method: clinical testing. Allele origin: germline. Affected: yes.
Comment: This variant is considered likely benign or benign based on one or more of the following criteria: it is a conservative change, it occurs at a poorly conserved position in the protein, it is predicted to be benign by multiple in silico algorithms, and/or has population frequency not consistent with disease.

NM_175614.5(NDUFA11):c.48C>T (p.Thr16=)

Genes: NDUFA11 (NADH:ubiquinone oxidoreductase subunit A11; minus strand), LOC112552175 (Sharpr-MPRA regulatory region 9916; plus strand). Cytogenetic location: 19p13.3.
Variant type: single nucleotide variant.
Coding change: c.48C>T on transcript NM_175614.5 (MANE Select); coding-DNA position 48, C replaced by T.
Protein change: p.Thr16=; no amino-acid change (threonine 16 retained).
Molecular consequence: synonymous variant. On other transcripts: non-coding transcript variant (1).
Genome position (GRCh38, 1-based): chr19:5,903,661, G>A on the plus strand (C>T on the coding strand, the complement: NDUFA11 is on the minus strand). VCF-style: chr19-5903661-G-A. GRCh37 (hg19) VCF-style: chr19-5903672-G-A.
Other names: p.T16T:ACC>ACT; c.48C>T, p.Thr16= (NM_001193375.3).
Identifiers: ClinVar variation 138443 (VCV000138443.22), dbSNP rs146562956, ClinGen allele CA292428.